The following is an entry in ClinVar:

ClinVar aggregate classification (germline): Uncertain significance (1 of 4 stars; one submission).

Conditions:
Glycogen storage disease due to muscle and heart glycogen synthase deficiency. Also called: GSD 0b; MUSCLE GLYCOGEN SYNTHASE DEFICIENCY. Identifiers: Orphanet 137625, MedGen C1969054, MONDO:0012693, OMIM 611556.

Allele frequency attached by ClinVar (database versions not stated): gnomAD exomes below 0.00001 and 0.00001.

Submission:

Labcorp Genetics (formerly Invitae), Labcorp
Classification: Uncertain significance for Glycogen storage disease due to muscle and heart glycogen synthase deficiency. Last evaluated: 2024-10-03. Review status: criteria provided, single submitter. Criteria: Invitae Variant Classification Sherloc (09022015). Collection method: clinical testing. Allele origin: germline.
Comment: This sequence change replaces serine, which is neutral and polar, with glycine, which is neutral and non-polar, at codon 704 of the GYS1 protein (p.Ser704Gly). This variant is not present in population databases (gnomAD no frequency). This variant has not been reported in the literature in individuals affected with GYS1-related conditions. ClinVar contains an entry for this variant (Variation ID: 1467978). An algorithm developed to predict the effect of missense changes on protein structure and function outputs the following: PolyPhen-2: "Benign". The glycine amino acid residue is found in multiple mammalian species, which suggests that this missense change does not adversely affect protein function. In summary, the available evidence is currently insufficient to determine the role of this variant in disease. Therefore, it has been classified as a Variant of Uncertain Significance.

NM_002103.5(GYS1):c.2110A>G (p.Ser704Gly)

Gene: GYS1 (glycogen synthase 1; minus strand). Cytogenetic location: 19q13.33.
Variant type: single nucleotide variant.
Coding change: c.2110A>G on transcript NM_002103.5 (MANE Select); coding-DNA position 2110, A replaced by G.
Protein change: p.Ser704Gly; replaces serine 704 with glycine.
Molecular consequence: missense variant. On other transcripts: non-coding transcript variant (1).
Genome position (GRCh38, 1-based): chr19:48,969,392, T>C on the plus strand (A>G on the coding strand, the complement: GYS1 is on the minus strand). VCF-style: chr19-48969392-T-C. GRCh37 (hg19) VCF-style: chr19-49472649-T-C.
Other names: c.1918A>G, p.Ser640Gly (NM_001161587.2); short protein forms S640G, S704G.
Identifiers: ClinVar variation 1467978 (VCV001467978.8), dbSNP rs1201413420, ClinGen allele CA406759200.